The following is an entry in ClinVar:

ClinVar aggregate classification (germline): Uncertain significance (1 of 4 stars; one submission).

Conditions:
Charcot-Marie-Tooth disease axonal type 2L. Also called: Charcot-Marie-Tooth Neuropathy Type 2L; CHARCOT-MARIE-TOOTH DISEASE, AXONAL, AUTOSOMAL DOMINANT, TYPE 2L; CHARCOT-MARIE-TOOTH NEUROPATHY, AXONAL, TYPE 2L. Identifiers: Orphanet 99945, MedGen C1837552, MONDO:0012096, OMIM 608673.

Allele frequency attached by ClinVar (database versions not stated): gnomAD exomes below 0.00001; TOPMed below 0.00001; gnomAD 0.00001.
gnomAD v4.1: 4 of 1,613,740 alleles (0.00025%); highest among the groups gnomAD compares: Non-Finnish European, 0.00025%; no homozygotes.

Submission:

Labcorp Genetics (formerly Invitae), Labcorp
Classification: Uncertain significance for Charcot-Marie-Tooth disease axonal type 2L. Last evaluated: 2024-10-23. Review status: criteria provided, single submitter. Criteria: Invitae Variant Classification Sherloc (09022015). Collection method: clinical testing. Allele origin: germline.
Comment: This sequence change replaces methionine, which is neutral and non-polar, with isoleucine, which is neutral and non-polar, at codon 68 of the HSPB8 protein (p.Met68Ile). This variant is not present in population databases (gnomAD no frequency). This variant has not been reported in the literature in individuals affected with HSPB8-related conditions. ClinVar contains an entry for this variant (Variation ID: 1976676). An algorithm developed to predict the effect of missense changes on protein structure and function outputs the following: PolyPhen-2: "Benign". The isoleucine amino acid residue is found in multiple mammalian species, which suggests that this missense change does not adversely affect protein function. In summary, the available evidence is currently insufficient to determine the role of this variant in disease. Therefore, it has been classified as a Variant of Uncertain Significance.

NM_014365.3(HSPB8):c.204G>A (p.Met68Ile)

Gene: HSPB8 (heat shock protein family B (small) member 8; plus strand). Cytogenetic location: 12q24.23.
Variant type: single nucleotide variant.
Coding change: c.204G>A on transcript NM_014365.3 (MANE Select); coding-DNA position 204, G replaced by A.
Protein change: p.Met68Ile; replaces methionine 68 with isoleucine.
Molecular consequence: missense variant.
Genome position (GRCh38, 1-based): chr12:119,179,516, G>A. VCF-style: chr12-119179516-G-A. GRCh37 (hg19) VCF-style: chr12-119617321-G-A.
Other names: short protein forms M68I.
Identifiers: ClinVar variation 1976676 (VCV001976676.5), dbSNP rs1283385837, ClinGen allele CA386525372.